The following is an entry in ClinVar:

NM_030662.4(MAP2K2):c.180G>C (p.Gln60His)

Gene: MAP2K2 (mitogen-activated protein kinase kinase 2; minus strand). Cytogenetic location: 19p13.3.
Variant type: single nucleotide variant.
Coding change: c.180G>C on transcript NM_030662.4 (MANE Select); coding-DNA position 180, G replaced by C.
Protein change: p.Gln60His; replaces glutamine 60 with histidine.
Molecular consequence: missense variant.
Genome position (GRCh38, 1-based): chr19:4,117,542, C>G on the plus strand (G>C on the coding strand, the complement: MAP2K2 is on the minus strand). VCF-style: chr19-4117542-C-G. GRCh37 (hg19) VCF-style: chr19-4117540-C-G.
Other names: c.180G>C, p.Gln60His (NM_001440688.1); short protein forms Q60H.
Identifiers: ClinVar variation 4294094 (VCV004294094.1).

ClinVar aggregate classification (germline): Likely pathogenic (1 of 4 stars; one submission).

Conditions:
Cardiofaciocutaneous syndrome 4 (CFC4). Also called: MAP2K2-Related Cardiofaciocutaneous Syndrome. Identifiers: Orphanet 1340, MedGen C3809007, MONDO:0014114, OMIM 615280.

Submission:

3billion
Classification: Likely pathogenic for Cardiofaciocutaneous syndrome 4. Last evaluated: 2024-11-20. Review status: criteria provided, single submitter. Criteria: ACMG Guidelines, 2015. Collection method: clinical testing. Allele origin: germline. Affected: yes.
Comment: The variant is not observed in the gnomAD v4.1.0 dataset. Predicted Consequence/Location: The variant is located in a mutational hot spot and/or well-established functional domain in which established pathogenic variants have been reported (PMID: 29493581). Missense variant. Missense changes are a common disease-causing mechanism. In silico tool predictions suggest damaging effect of the variant on gene or gene product [REVEL: 0.75 (>=0.6, sensitivity 0.68 and specificity 0.92)]. A different missense change at the same codon (p.Gln60Pro) has been reported to be associated with MAP2K2 related disorder (ClinVar ID: VCV000376178). Therefore, this variant is classified as Likely pathogenic according to the recommendation of ACMG/AMP guideline.